The following is an entry in ClinVar:

NM_001142864.4(PIEZO1):c.7131T>G (p.Asn2377Lys)

Gene: PIEZO1 (piezo type mechanosensitive ion channel component 1 (Er blood group); minus strand). Cytogenetic location: 16q24.3.
Variant type: single nucleotide variant.
Coding change: c.7131T>G on transcript NM_001142864.4 (MANE Select); coding-DNA position 7131, T replaced by G.
Protein change: p.Asn2377Lys; replaces asparagine 2377 with lysine.
Molecular consequence: missense variant.
Genome position (GRCh38, 1-based): chr16:88,716,118, A>C on the plus strand (T>G on the coding strand, the complement: PIEZO1 is on the minus strand). VCF-style: chr16-88716118-A-C. GRCh37 (hg19) VCF-style: chr16-88782526-A-C.
Other names: short protein forms N2377K.
Identifiers: ClinVar variation 4079582 (VCV004079582.2).

ClinVar aggregate classification (germline): Uncertain significance. Review status: criteria provided, multiple submitters, no conflicts (2 of 4 stars). 2 submissions from 2 submitters: Uncertain significance (2). Last evaluated 2025-10-24.

gnomAD v4.1: 10 of 1,542,928 alleles (0.00065%); highest among the groups gnomAD compares: South Asian, 0.0096%; no homozygotes.

Submissions (2):

Labcorp Genetics (formerly Invitae), Labcorp
Classification: Uncertain significance. Last evaluated: 2025-10-24. Review status: criteria provided, single submitter. Criteria: Invitae Variant Classification Sherloc (09022015). Collection method: clinical testing. Allele origin: germline.
Comment: This sequence change replaces asparagine, which is neutral and polar, with lysine, which is basic and polar, at codon 2377 of the PIEZO1 protein (p.Asn2377Lys). This variant is present in population databases (no rsID available, gnomAD 0.01%). This variant has not been reported in the literature in individuals affected with PIEZO1-related conditions. ClinVar contains an entry for this variant (Variation ID: 4079582). An algorithm developed to predict the effect of missense changes on protein structure and function outputs the following: PolyPhen-2: "Benign". The lysine amino acid residue is found in multiple mammalian species, which suggests that this missense change does not adversely affect protein function. In summary, the available evidence is currently insufficient to determine the role of this variant in disease. Therefore, it has been classified as a Variant of Uncertain Significance.

Revvity Omics, Revvity
Classification: Uncertain significance. Last evaluated: 2024-07-10. Review status: criteria provided, single submitter. Criteria: ACMG Guidelines, 2015. Collection method: clinical testing. Allele origin: germline.